The following is an entry in ClinVar:

ClinVar aggregate classification (germline): Likely benign (1 of 4 stars; one submission).

Submission:

CeGaT Center for Human Genetics Tuebingen
Classification: Likely benign. Last evaluated: 2024-07-01. Review status: criteria provided, single submitter. Criteria: CeGaT Center For Human Genetics Tuebingen Variant Classification Criteria Version 2. Collection method: clinical testing. Allele origin: germline. Affected: yes. Observed: 1 variant allele.
Comment: COL6A6: BS2

NM_001102608.3(COL6A6):c.6025C>T (p.Arg2009Trp)

Gene: COL6A6 (collagen type VI alpha 6 chain; plus strand). Cytogenetic location: 3q22.1.
Variant type: single nucleotide variant.
Coding change: c.6025C>T on transcript NM_001102608.3 (MANE Select); coding-DNA position 6025, C replaced by T.
Protein change: p.Arg2009Trp; replaces arginine 2009 with tryptophan.
Molecular consequence: missense variant.
Genome position (GRCh38, 1-based): chr3:130,661,831, C>T. VCF-style: chr3-130661831-C-T. GRCh37 (hg19) VCF-style: chr3-130380675-C-T.
Other names: short protein forms R2009W.
Identifiers: ClinVar variation 3341605 (VCV003341605.16).